The following is an entry in ClinVar:

ClinVar aggregate classification (germline): Uncertain significance. Review status: criteria provided, multiple submitters, no conflicts (2 of 4 stars). 2 submissions from 2 submitters: Uncertain significance (2). Last evaluated 2025-08-01.

Conditions:
Malignant hyperthermia, susceptibility to, 5 (MHS5). Also called: CACNA1S-Related Malignant Hyperthermia Susceptibility. Identifiers: Orphanet 423, MedGen C1866077, MONDO:0011163, OMIM 601887.

gnomAD v4.1: 13 of 1,614,116 alleles (0.00081%); highest among the groups gnomAD compares: Non-Finnish European, 0.001%; no homozygotes.

Submissions (2):

GeneDx
Classification: Uncertain significance. Last evaluated: 2025-08-01. Review status: criteria provided, single submitter. Criteria: GeneDx Variant Classification Process June 2021. Collection method: clinical testing. Allele origin: germline. Affected: yes.
Comment: In silico analysis supports that this missense variant has a deleterious effect on protein structure/function; Has not been previously published as pathogenic or benign to our knowledge

Color Diagnostics, LLC DBA Color Health
Classification: Uncertain significance for Malignant hyperthermia, susceptibility to, 5. Last evaluated: 2025-07-07. Review status: criteria provided, single submitter. Criteria: ACMG Guidelines, 2015. Collection method: clinical testing. Allele origin: germline.
Comment: This missense variant replaces lysine with asparagine at codon 430 of the CACNA1S protein. Computational prediction suggests that this variant may have deleterious impact on protein structure and function. To our knowledge, functional studies have not been reported for this variant. This variant has not been reported in individuals affected with CACNA1S-related disorders in the literature. This variant has been identified in 2/251490 chromosomes in the general population by the Genome Aggregation Database (gnomAD). The available evidence is insufficient to determine the role of this variant in disease conclusively. Therefore, this variant is classified as a Variant of Uncertain Significance.

NM_000069.3(CACNA1S):c.1290G>C (p.Lys430Asn)

Gene: CACNA1S (calcium voltage-gated channel subunit alpha1 S; minus strand). Cytogenetic location: 1q32.1.
Variant type: single nucleotide variant.
Coding change: c.1290G>C on transcript NM_000069.3 (MANE Select); coding-DNA position 1290, G replaced by C.
Protein change: p.Lys430Asn; replaces lysine 430 with asparagine.
Molecular consequence: missense variant.
Genome position (GRCh38, 1-based): chr1:201,083,265, C>G on the plus strand (G>C on the coding strand, the complement: CACNA1S is on the minus strand). VCF-style: chr1-201083265-C-G. GRCh37 (hg19) VCF-style: chr1-201052393-C-G.
Other names: short protein forms K430N.
Identifiers: ClinVar variation 4690062 (VCV004690062.2).
Genomic context (GRCh38, chr1:201,083,265, plus strand): 5'-GGCGATAGACAGGGTGTTGAGGGCAACGATGAGAATCACCAGCCAATAGAAGACCTTGGA[C>G]TTCACGATGTCATGGCACTTCCAGCGAAAGATGCGGTTCCACTGCCTCCAATGTCGGCTG-3'
Protein context (NP_000060.2, residues 420-440): IFRWKCHDIV[Lys430Asn]SKVFYWLVIL